The following is an entry in ClinVar:

ClinVar aggregate classification (germline): Likely benign (1 of 4 stars; one submission).

Conditions:
Marfan syndrome (MFS). Also called: MARFAN SYNDROME, TYPE I; Marfan syndrome type 1; Marfan's syndrome; FBN1-Related Marfan Syndrome; Marfan syndrome, classic. Identifiers: Orphanet 284963, Orphanet 558, MedGen C0024796, MONDO:0007947, OMIM 154700.

Submission:

All of Us Research Program, National Institutes of Health
Classification: Likely benign for Marfan syndrome. Last evaluated: 2024-05-30. Review status: criteria provided, single submitter. Criteria: ACMG Guidelines, 2015. Collection method: clinical testing. Allele origin: germline. Inheritance: Autosomal dominant inheritance. Observed: 1 variant allele, 1 heterozygote.
Comment: This study involves interpretation of variants in research participants for the purpose of population health screening. Participant phenotype was not available at the time of variant classification. Additional details can be found in publication PMID: 35346344, PMCID: PMC8962531

NM_000138.5(FBN1):c.8295T>G (p.Ala2765=)

Gene: FBN1 (fibrillin 1; minus strand). Cytogenetic location: 15q21.1.
Variant type: single nucleotide variant.
Coding change: c.8295T>G on transcript NM_000138.5 (MANE Select); coding-DNA position 8295, T replaced by G.
Protein change: p.Ala2765=; no amino-acid change (alanine 2765 retained).
Molecular consequence: synonymous variant.
Genome position (GRCh38, 1-based): chr15:48,411,311, A>C on the plus strand (T>G on the coding strand, the complement: FBN1 is on the minus strand). VCF-style: chr15-48411311-A-C. GRCh37 (hg19) VCF-style: chr15-48703508-A-C.
Other names: c.8295T>G, p.Ala2765= (NM_001406716.1).
Identifiers: ClinVar variation 3386745 (VCV003386745.1).
Genomic context (GRCh38, chr15:48,411,311, plus strand): 5'-TGTAAGAGCTGGAAGGAGTTCTAGGATTCGAACCTTGTTACTGACGTGGGAAATATTGAA[A>C]GCAAAGATGGCTGTCTTCTCAACATCCCAACTTGCAAGACTCACATTGGCTTCTGTCTCA-3'
Protein context (NP_000129.3, residues 2755-2775): SWDVEKTAIF[Ala2765=]FNISHVSNKV